The following is an entry in ClinVar:

ClinVar aggregate classification (germline): Uncertain significance (1 of 4 stars; one submission).

Submission:

Labcorp Genetics (formerly Invitae), Labcorp
Classification: Uncertain significance. Last evaluated: 2021-12-27. Review status: criteria provided, single submitter. Criteria: Invitae Variant Classification Sherloc (09022015). Collection method: clinical testing. Allele origin: germline.
Comment: This sequence change replaces proline, which is neutral and non-polar, with arginine, which is basic and polar, at codon 258 of the RMND1 protein (p.Pro258Arg). This variant is not present in population databases (gnomAD no frequency). This variant has not been reported in the literature in individuals affected with RMND1-related conditions. Algorithms developed to predict the effect of missense changes on protein structure and function are either unavailable or do not agree on the potential impact of this missense change (SIFT: "Deleterious"; PolyPhen-2: "Probably Damaging"; Align-GVGD: "Class C15"). In summary, the available evidence is currently insufficient to determine the role of this variant in disease. Therefore, it has been classified as a Variant of Uncertain Significance.

NM_017909.4(RMND1):c.773C>G (p.Pro258Arg)

Gene: RMND1 (required for meiotic nuclear division 1 homolog; minus strand). Cytogenetic location: 6q25.1.
Variant type: single nucleotide variant.
Coding change: c.773C>G on transcript NM_017909.4 (MANE Select); coding-DNA position 773, C replaced by G.
Protein change: p.Pro258Arg; replaces proline 258 with arginine.
Molecular consequence: missense variant.
Genome position (GRCh38, 1-based): chr6:151,427,539, G>C on the plus strand (C>G on the coding strand, the complement: RMND1 is on the minus strand). VCF-style: chr6-151427539-G-C. GRCh37 (hg19) VCF-style: chr6-151748674-G-C.
Other names: c.263C>G, p.Pro88Arg (NM_001271937.2); short protein forms P258R, P88R.
Identifiers: ClinVar variation 2062804 (VCV002062804.4), dbSNP rs2114945542, ClinGen allele CA366062088.